The following is an entry in ClinVar:

ClinVar aggregate classification (germline): Benign. Review status: criteria provided, multiple submitters, no conflicts (2 of 4 stars). 3 submissions from 3 submitters: Benign (3). Last evaluated 2018-06-14.

Allele frequency attached by ClinVar (database versions not stated): TOPMed 0.51110; ESP Exome Variant Server 0.50197; gnomAD 0.51414 and 0.51979; gnomAD exomes 0.55360; 1000 Genomes Project 30x 0.55653; 1000 Genomes Project 0.55950.

Submissions (3):

GeneDx
Classification: Benign. Last evaluated: 2018-06-14. Review status: criteria provided, single submitter. Criteria: GeneDx Variant Classification (06012015). Collection method: clinical testing. Allele origin: germline. Affected: yes.
Comment: This variant is considered likely benign or benign based on one or more of the following criteria: it is a conservative change, it occurs at a poorly conserved position in the protein, it is predicted to be benign by multiple in silico algorithms, and/or has population frequency not consistent with disease.

Eurofins Ntd Llc (ga)
Classification: Benign. Last evaluated: 2012-08-24. Review status: criteria provided, single submitter. Criteria: EGL Classification Definitions 2015. Collection method: clinical testing. Allele origin: germline. Observed: 1 variant allele, 1 heterozygote.

Breakthrough Genomics
Classification: Benign. Review status: criteria provided, single submitter. Criteria: ACMG Guidelines, 2015. Collection method: not provided. Allele origin: germline. Inheritance: Autosomal recessive inheritance. Affected: yes.

NM_001848.3(COL6A1):c.1822+80G>A

Gene: COL6A1 (collagen type VI alpha 1 chain; plus strand). Cytogenetic location: 21q22.3.
Variant type: single nucleotide variant.
Coding change: c.1822+80G>A on transcript NM_001848.3 (MANE Select); 80 bases into the intron after coding-DNA position 1822, G replaced by A.
Molecular consequence: intron variant.
Genome position (GRCh38, 1-based): chr21:46,000,847, G>A. VCF-style: chr21-46000847-G-A. GRCh37 (hg19) VCF-style: chr21-47420761-G-A.
Identifiers: ClinVar variation 93834 (VCV000093834.6), dbSNP rs7283989, ClinGen allele CA147347.